The following is an entry in ClinVar:

ClinVar aggregate classification (germline): Uncertain significance (1 of 4 stars; one submission).

gnomAD v4.1: 11 of 1,613,920 alleles (0.00068%); highest among the groups gnomAD compares: Non-Finnish European, 0.00093%; no homozygotes.

Submission:

Labcorp Genetics (formerly Invitae), Labcorp
Classification: Uncertain significance. Last evaluated: 2022-07-19. Review status: criteria provided, single submitter. Criteria: Invitae Variant Classification Sherloc (09022015). Collection method: clinical testing. Allele origin: germline.
Comment: This sequence change replaces proline, which is neutral and non-polar, with leucine, which is neutral and non-polar, at codon 409 of the COL27A1 protein (p.Pro409Leu). This variant is present in population databases (no rsID available, gnomAD 0.0009%). This variant has not been reported in the literature in individuals affected with COL27A1-related conditions. Advanced modeling of protein sequence and biophysical properties (such as structural, functional, and spatial information, amino acid conservation, physicochemical variation, residue mobility, and thermodynamic stability) performed at Invitae indicates that this missense variant is not expected to disrupt COL27A1 protein function. In summary, the available evidence is currently insufficient to determine the role of this variant in disease. Therefore, it has been classified as a Variant of Uncertain Significance.

NM_032888.4(COL27A1):c.1226C>T (p.Pro409Leu)

Gene: COL27A1 (collagen type XXVII alpha 1 chain; plus strand). Cytogenetic location: 9q32.
Variant type: single nucleotide variant.
Coding change: c.1226C>T on transcript NM_032888.4 (MANE Select); coding-DNA position 1226, C replaced by T.
Protein change: p.Pro409Leu; replaces proline 409 with leucine.
Molecular consequence: missense variant.
Genome position (GRCh38, 1-based): chr9:114,168,781, C>T. VCF-style: chr9-114168781-C-T. GRCh37 (hg19) VCF-style: chr9-116931061-C-T.
Other names: short protein forms P409L.
Identifiers: ClinVar variation 2150503 (VCV002150503.1), dbSNP rs769402761, ClinGen allele CA198608397.